The following is an entry in ClinVar:

ClinVar aggregate classification (germline): Uncertain significance. Review status: criteria provided, multiple submitters, no conflicts (2 of 4 stars). 2 submissions from 2 submitters: Uncertain significance (2). Last evaluated 2025-10-13.

Conditions:
Hereditary cancer-predisposing syndrome. Also called: Neoplastic Syndromes, Hereditary; Tumor predisposition; Hereditary Cancer Syndrome; Hereditary neoplastic syndrome. Identifiers: Orphanet 140162, MedGen C0027672, MeSH D009386, MONDO:0015356.

Allele frequency attached by ClinVar (database versions not stated): gnomAD exomes below 0.00001; gnomAD 0.00001; TOPMed 0.00001.
gnomAD v4.1: 3 of 1,600,044 alleles (0.00019%); highest among the groups gnomAD compares: Non-Finnish European, 0.00025%; no homozygotes.

Submissions (2):

Labcorp Genetics (formerly Invitae), Labcorp
Classification: Uncertain significance. Last evaluated: 2025-10-13. Review status: criteria provided, single submitter. Criteria: Invitae Variant Classification Sherloc (09022015). Collection method: clinical testing. Allele origin: germline.
Comment: This sequence change replaces tryptophan, which is neutral and slightly polar, with leucine, which is neutral and non-polar, at codon 13 of the CTNNA1 protein (p.Trp13Leu). The frequency data for this variant in the population databases is considered unreliable, as metrics indicate poor data quality at this position in the gnomAD database. This variant has not been reported in the literature in individuals affected with CTNNA1-related conditions. ClinVar contains an entry for this variant (Variation ID: 652689). An algorithm developed to predict the effect of missense changes on protein structure and function (PolyPhen-2) suggests that this variant is likely to be tolerated. In summary, the available evidence is currently insufficient to determine the role of this variant in disease. Therefore, it has been classified as a Variant of Uncertain Significance.

Ambry Genetics
Classification: Uncertain significance for Hereditary cancer-predisposing syndrome. Last evaluated: 2025-08-08. Review status: criteria provided, single submitter. Criteria: Ambry Variant Classification Scheme 2023. Collection method: clinical testing. Allele origin: germline.
Comment: The p.W13L variant (also known as c.38G>T), located in coding exon 1 of the CTNNA1 gene, results from a G to T substitution at nucleotide position 38. The tryptophan at codon 13 is replaced by leucine, an amino acid with similar properties. This amino acid position is highly conserved in available vertebrate species. In addition, this alteration is predicted to be deleterious by in silico analysis. Based on the available evidence, the clinical significance of this variant remains unclear.

NM_001903.5(CTNNA1):c.38G>T (p.Trp13Leu)

Gene: CTNNA1 (catenin alpha 1; plus strand). Cytogenetic location: 5q31.2.
Variant type: single nucleotide variant.
Coding change: c.38G>T on transcript NM_001903.5 (MANE Select); coding-DNA position 38, G replaced by T.
Protein change: p.Trp13Leu; replaces tryptophan 13 with leucine.
Molecular consequence: missense variant. On other transcripts: 5 prime UTR variant (2).
Genome position (GRCh38, 1-based): chr5:138,781,962, G>T. VCF-style: chr5-138781962-G-T. GRCh37 (hg19) VCF-style: chr5-138117651-G-T.
Other names: c.38G>T, p.Trp13Leu (NM_001290307.3, NM_001323982.2, NM_001323983.1 and 3 more transcripts); c.-76G>T (NM_001290309.3); c.-169G>T (NM_001290310.3); c.38G>T (NM_001903.2); short protein forms W13L.
Identifiers: ClinVar variation 652689 (VCV000652689.11), dbSNP rs955840317, ClinGen allele CA128716440.